The following is an entry in ClinVar:

ClinVar aggregate classification (germline): Uncertain significance (1 of 4 stars; one submission).

Conditions:
Cardiovascular phenotype. Identifiers: MedGen CN230736.

Submission:

Ambry Genetics
Classification: Uncertain significance for Cardiovascular phenotype. Last evaluated: 2024-04-26. Review status: criteria provided, single submitter. Criteria: Ambry Variant Classification Scheme 2023. Collection method: clinical testing. Allele origin: germline.
Comment: The p.V930M variant (also known as c.2788G>A), located in coding exon 19 of the TRPM4 gene, results from a G to A substitution at nucleotide position 2788. The valine at codon 930 is replaced by methionine, an amino acid with highly similar properties. This amino acid position is conserved. In addition, the in silico prediction for this alteration is inconclusive. Based on the available evidence, the clinical significance of this variant remains unclear.

NM_017636.4(TRPM4):c.2788G>A (p.Val930Met)

Gene: TRPM4 (transient receptor potential cation channel subfamily M member 4; plus strand). Cytogenetic location: 19q13.33.
Variant type: single nucleotide variant.
Coding change: c.2788G>A on transcript NM_017636.4 (MANE Select); coding-DNA position 2788, G replaced by A.
Protein change: p.Val930Met; replaces valine 930 with methionine.
Molecular consequence: missense variant.
Genome position (GRCh38, 1-based): chr19:49,200,620, G>A. VCF-style: chr19-49200620-G-A. GRCh37 (hg19) VCF-style: chr19-49703877-G-A.
Other names: c.2353G>A, p.Val785Met (NM_001195227.2); c.2443G>A, p.Val815Met (NM_001321281.2); c.1180G>A, p.Val394Met (NM_001321282.2); c.2266G>A, p.Val756Met (NM_001321283.2); c.1726G>A, p.Val576Met (NM_001321285.2); short protein forms V756M, V394M, V785M, V930M, V576M, V815M.
Identifiers: ClinVar variation 3329238 (VCV003329238.1).